The following is an entry in ClinVar:

NM_001080421.3(UNC13A):c.4379C>T (p.Ala1460Val)

Gene: UNC13A (unc-13 homolog A; minus strand). Cytogenetic location: 19p13.11.
Variant type: single nucleotide variant.
Coding change: c.4379C>T on transcript NM_001080421.3 (MANE Select); coding-DNA position 4379, C replaced by T.
Protein change: p.Ala1460Val; replaces alanine 1460 with valine.
Molecular consequence: missense variant.
Genome position (GRCh38, 1-based): chr19:17,618,452, G>A on the plus strand (C>T on the coding strand, the complement: UNC13A is on the minus strand). VCF-style: chr19-17618452-G-A. GRCh37 (hg19) VCF-style: chr19-17729261-G-A.
Other names: c.4367C>T, p.Ala1456Val (NM_001387021.1); c.4364C>T, p.Ala1455Val (NM_001387022.1); c.4298C>T, p.Ala1433Val (NM_001387023.1); short protein forms A1433V, A1455V, A1456V, A1460V.
Identifiers: ClinVar variation 3354870 (VCV003354870.1).
Genomic context (GRCh38, chr19:17,618,452, plus strand): 5'-CTGGGATGGGGAGGGGTAGGGCCTCTCACCTTGATGGTGTCCAGGGCCAACTCAACAACC[G>A]CGCACTGCTTTGGGGTCAAGCTCTTGGCTTCTTCTCGTACCATGTGATCCTGGATGGATG-3'
Protein context (NP_001073890.2, residues 1450-1470): EAKSLTPKQC[Ala1460Val]VVELALDTIK

ClinVar aggregate classification (germline): Uncertain significance (0 of 4 stars; one submission).

Conditions:
UNC13A-related disorder. Also called: UNC13A-related condition.

gnomAD v4.1: 25 of 1,591,526 alleles (0.0016%); highest among the groups gnomAD compares: East Asian, 0.0023%; no homozygotes.

Submission:

PreventionGenetics, part of Exact Sciences
Classification: Uncertain significance for UNC13A-related condition. Last evaluated: 2024-03-04. Review status: no assertion criteria provided. Collection method: clinical testing. Allele origin: germline.
Comment: The UNC13A c.4379C>T variant is predicted to result in the amino acid substitution p.Ala1460Val. This variant has been reported as a de novo occurrence in an individual with failure to thrive, microcephaly, fine/gross motor delay, intellectual disability, developmental regression, cerebral atrophy, and spasticity (Table S2, Monies et al. 2019. PubMed ID: 31130284). This variant is reported in 0.0037% of alleles in individuals of South Asian descent in gnomAD. At this time, the clinical significance of this variant is uncertain due to the absence of conclusive functional and genetic evidence.